The following is an entry in ClinVar:

NM_001375524.1(TRRAP):c.3695C>A (p.Ala1232Asp)

Gene: TRRAP (transformation/transcription domain associated protein; plus strand). Cytogenetic location: 7q22.1.
Variant type: single nucleotide variant.
Coding change: c.3695C>A on transcript NM_001375524.1 (MANE Select); coding-DNA position 3695, C replaced by A.
Protein change: p.Ala1232Asp; replaces alanine 1232 with aspartic acid.
Molecular consequence: missense variant.
Genome position (GRCh38, 1-based): chr7:98,931,508, C>A. VCF-style: chr7-98931508-C-A. GRCh37 (hg19) VCF-style: chr7-98529131-C-A.
Other names: c.3695C>A, p.Ala1232Asp (NM_001244580.2, NM_003496.4); short protein forms A1232D.
Identifiers: ClinVar variation 3666296 (VCV003666296.2).

ClinVar aggregate classification (germline): Uncertain significance (1 of 4 stars; one submission).

Submission:

Labcorp Genetics (formerly Invitae), Labcorp
Classification: Uncertain significance. Last evaluated: 2024-12-28. Review status: criteria provided, single submitter. Criteria: Invitae Variant Classification Sherloc (09022015). Collection method: clinical testing. Allele origin: germline.
Comment: This sequence change replaces alanine, which is neutral and non-polar, with aspartic acid, which is acidic and polar, at codon 1232 of the TRRAP protein (p.Ala1232Asp). This variant is not present in population databases (gnomAD no frequency). This variant has not been reported in the literature in individuals affected with TRRAP-related conditions. Invitae Evidence Modeling of protein sequence and biophysical properties (such as structural, functional, and spatial information, amino acid conservation, physicochemical variation, residue mobility, and thermodynamic stability) indicates that this missense variant is not expected to disrupt TRRAP protein function with a negative predictive value of 80%. In summary, the available evidence is currently insufficient to determine the role of this variant in disease. Therefore, it has been classified as a Variant of Uncertain Significance.